The following is an entry in ClinVar:

ClinVar aggregate classification (germline): Benign. Review status: criteria provided, single submitter (1 of 4 stars). 2 submissions from 2 submitters: Benign (1). 1 of the submissions does not count toward it. Last evaluated 2026-02-03.

Conditions:
BLVRA-related disorder. Also called: BLVRA-related condition.

Allele frequency attached by ClinVar (database versions not stated): ESP Exome Variant Server 0.09150; gnomAD 0.10312; 1000 Genomes Project 30x 0.08901; TOPMed 0.10762; ExAC 0.11755; 1000 Genomes Project 0.08986; gnomAD exomes 0.11671.
gnomAD v4.1: 185,863 of 1,613,822 alleles (12%); highest among the groups gnomAD compares: Admixed American, 23%; 11,804 homozygotes.

Submissions (2):

Labcorp Genetics (formerly Invitae), Labcorp
Classification: Benign. Last evaluated: 2026-02-03. Review status: criteria provided, single submitter. Criteria: Invitae Variant Classification Sherloc (09022015). Collection method: clinical testing. Allele origin: germline.

PreventionGenetics, part of Exact Sciences
Classification: Benign for BLVRA-related condition. Last evaluated: 2019-10-23. Review status: no assertion criteria provided. Collection method: clinical testing. Allele origin: germline. Not counted in ClinVar's aggregate classification.
Comment: This variant is classified as benign based on ACMG/AMP sequence variant interpretation guidelines (Richards et al. 2015 PMID: 25741868, with internal and published modifications).

NM_000712.4(BLVRA):c.609G>A (p.Val203=)

Gene: BLVRA (biliverdin reductase A; plus strand). Cytogenetic location: 7p13.
Variant type: single nucleotide variant.
Coding change: c.609G>A on transcript NM_000712.4 (MANE Select); coding-DNA position 609, G replaced by A.
Protein change: p.Val203=; no amino-acid change (valine 203 retained).
Molecular consequence: synonymous variant.
Genome position (GRCh38, 1-based): chr7:43,803,824, G>A. VCF-style: chr7-43803824-G-A. GRCh37 (hg19) VCF-style: chr7-43843423-G-A.
Other names: c.609G>A, p.Val203= (NM_001253823.2); c.609G>A (NM_000712.3).
Identifiers: ClinVar variation 1992565 (VCV001992565.6), dbSNP rs1131372, ClinGen allele CA4234153.